The following is an entry in ClinVar:

NM_000492.4(CFTR):c.2832G>A (p.Val944=)

Gene: CFTR (CF transmembrane conductance regulator; plus strand). Cytogenetic location: 7q31.2.
Variant type: single nucleotide variant.
Coding change: c.2832G>A on transcript NM_000492.4 (MANE Select); coding-DNA position 2832, G replaced by A.
Protein change: p.Val944=; no amino-acid change (valine 944 retained).
Molecular consequence: synonymous variant.
Genome position (GRCh38, 1-based): chr7:117,603,706, G>A. VCF-style: chr7-117603706-G-A. GRCh37 (hg19) VCF-style: chr7-117243760-G-A.
Identifiers: ClinVar variation 35851 (VCV000035851.17), dbSNP rs193922512, ClinGen allele CA260227.

ClinVar aggregate classification (germline): Likely benign. Review status: criteria provided, multiple submitters, no conflicts (2 of 4 stars). 5 submissions from 5 submitters: Likely benign (4). 1 of the submissions does not count toward it. Last evaluated 2025-03-05.

Conditions:
CFTR-related disorder (CFTR-RD). Also called: CFTR-related condition; CFTR-related disorders. Identifiers: MedGen C5924204, MONDO:7770004.
Cystic fibrosis (CF). Also called: MUCOVISCIDOSIS. Identifiers: Orphanet 586, MedGen C0010674, MONDO:0009061, OMIM 219700. Disease mechanism: loss of function.

Allele frequency attached by ClinVar (database versions not stated): gnomAD 0.00004; TOPMed 0.00004.
gnomAD v4.1: 13 of 1,613,952 alleles (0.00081%); highest among the groups gnomAD compares: East Asian, 0.0045%; no homozygotes.

Submissions (5):

Labcorp Genetics (formerly Invitae), Labcorp
Classification: Likely benign for Cystic fibrosis. Last evaluated: 2025-03-05. Review status: criteria provided, single submitter. Criteria: Invitae Variant Classification Sherloc (09022015). Collection method: clinical testing. Allele origin: germline.

Ambry Genetics
Classification: Likely benign for Cystic fibrosis. Last evaluated: 2021-12-15. Review status: criteria provided, single submitter. Criteria: Ambry Variant Classification Scheme 2023. Collection method: clinical testing. Allele origin: germline.

Quest Diagnostics Nichols Institute San Juan Capistrano
Classification: Likely benign. Last evaluated: 2021-04-16. Review status: criteria provided, single submitter. Criteria: Quest Diagnostics criteria. Collection method: clinical testing. Allele origin: unknown.

Women's Health and Genetics/Laboratory Corporation of America, LabCorp
Classification: Likely benign for Cystic Fibrosis. Last evaluated: 2011-08-18. Review status: criteria provided, single submitter. Criteria: LabCorp Variant Classification Summary - May 2015. Collection method: curation, clinical testing. Allele origin: germline. Inheritance: autosomal unknown. Affected: yes.
ClinVar note: Converted during submission from likely benign to Likely benign.

PreventionGenetics, part of Exact Sciences
Classification: Likely benign for CFTR-related condition. Last evaluated: 2022-01-21. Review status: no assertion criteria provided. Collection method: clinical testing. Allele origin: germline. Not counted in ClinVar's aggregate classification.
Comment: This variant is classified as likely benign based on ACMG/AMP sequence variant interpretation guidelines (Richards et al. 2015 PMID: 25741868, with internal and published modifications).